The following is an entry in ClinVar:

NM_000395.3(CSF2RB):c.1291G>A (p.Ala431Thr)

Gene: CSF2RB (colony stimulating factor 2 receptor subunit beta; plus strand). Cytogenetic location: 22q12.3.
Variant type: single nucleotide variant.
Coding change: c.1291G>A on transcript NM_000395.3 (MANE Select); coding-DNA position 1291, G replaced by A.
Protein change: p.Ala431Thr; replaces alanine 431 with threonine.
Molecular consequence: missense variant.
Genome position (GRCh38, 1-based): chr22:36,933,970, G>A. VCF-style: chr22-36933970-G-A. GRCh37 (hg19) VCF-style: chr22-37330012-G-A.
Other names: c.1309G>A, p.Ala437Thr (NM_001410827.1); short protein forms A431T, A437T.
Identifiers: ClinVar variation 3617414 (VCV003617414.2).

ClinVar aggregate classification (germline): Uncertain significance (1 of 4 stars; one submission).

gnomAD v4.1: 3 of 1,612,686 alleles (0.00019%); highest among the groups gnomAD compares: East Asian, 0.0067%; no homozygotes.

Submission:

Labcorp Genetics (formerly Invitae), Labcorp
Classification: Uncertain significance. Last evaluated: 2024-10-17. Review status: criteria provided, single submitter. Criteria: Invitae Variant Classification Sherloc (09022015). Collection method: clinical testing. Allele origin: germline.
Comment: This sequence change replaces alanine, which is neutral and non-polar, with threonine, which is neutral and polar, at codon 431 of the CSF2RB protein (p.Ala431Thr). This variant is not present in population databases (gnomAD no frequency). This variant has not been reported in the literature in individuals affected with CSF2RB-related conditions. Invitae Evidence Modeling of protein sequence and biophysical properties (such as structural, functional, and spatial information, amino acid conservation, physicochemical variation, residue mobility, and thermodynamic stability) indicates that this missense variant is not expected to disrupt CSF2RB protein function with a negative predictive value of 80%. In summary, the available evidence is currently insufficient to determine the role of this variant in disease. Therefore, it has been classified as a Variant of Uncertain Significance.